The following is an entry in ClinVar:

ClinVar aggregate classification (germline): Uncertain significance. Review status: criteria provided, single submitter (1 of 4 stars). 2 submissions from 2 submitters: Uncertain significance (1). 1 of the submissions does not count toward it. Last evaluated 2017-06-29.

Conditions:
Pyridoxal phosphate-responsive seizures (PNPOD). Also called: Pyridoxine-5'-phosphate oxidase deficiency; EPILEPTIC ENCEPHALOPATHY, NEONATAL, PNPO-RELATED; SEIZURES, PYRIDOXINE-RESISTANT, PLP-SENSITIVE; Pyridoxamine 5-Prime-Phosphate Oxidase Deficiency; Pyridoxal 5'-Phosphate (PLP)-Dependent Epilepsy. Identifiers: Orphanet 79096, MedGen C1864723, MONDO:0012407, OMIM 610090. Disease mechanism: loss of function.

Submissions (2):

Institute of Human Genetics, University of Leipzig Medical Center
Classification: Uncertain significance for Pyridoxal phosphate-responsive seizures. Last evaluated: 2017-06-29. Review status: criteria provided, single submitter. Criteria: ACMG Guidelines, 2015. Collection method: clinical testing. Allele origin: germline. Affected: yes. Observed: 1 variant allele.
Comment: This variant was identified as homozygous

Breakthrough Genomics
Classification: Uncertain significance for Pyridoxal phosphate-responsive seizures. Last evaluated: 2021-01-27. Review status: no assertion criteria provided. Collection method: clinical testing. Allele origin: germline. Affected: yes. Observed: 1 variant allele. Not counted in ClinVar's aggregate classification.

NM_018129.4(PNPO):c.184T>C (p.Phe62Leu)

Gene: PNPO (pyridoxamine 5'-phosphate oxidase; plus strand). Cytogenetic location: 17q21.32.
Variant type: single nucleotide variant.
Coding change: c.184T>C on transcript NM_018129.4 (MANE Select); coding-DNA position 184, T replaced by C.
Protein change: p.Phe62Leu; replaces phenylalanine 62 with leucine.
Molecular consequence: missense variant.
Genome position (GRCh38, 1-based): chr17:47,943,351, T>C. VCF-style: chr17-47943351-T-C. GRCh37 (hg19) VCF-style: chr17-46020717-T-C.
Other names: p.Phe62Leu; short protein forms F62L.
Identifiers: ClinVar variation 976399 (VCV000976399.3), dbSNP rs1598197051, ClinGen allele CA400056163.